The following is an entry in ClinVar:

ClinVar aggregate classification (germline): Benign/Likely benign. Review status: criteria provided, multiple submitters, no conflicts (2 of 4 stars). 8 submissions from 8 submitters: Benign (1); Likely benign (7). Last evaluated 2026-01-19.

Conditions:
Cardiovascular phenotype. Identifiers: MedGen CN230736.
MYBPC3-related disorder. Also called: MYBPC3-related disorders; MYBPC3-related condition; MYBPC3-related disease.
Cardiomyopathy (CMYO). Also called: Cardiomyopathies. Identifiers: Orphanet 167848, MedGen C0878544, MONDO:0004994, HP:0001638. Inheritance: Various modes of inheritance.
Hypertrophic cardiomyopathy. Also called: HYPERTROPHIC MYOCARDIOPATHY. Identifiers: Orphanet 217569, MedGen C0007194, MeSH D002312, MONDO:0005045, HP:0001639.

Allele frequency attached by ClinVar (database versions not stated): gnomAD exomes 0.00004 and 0.00006; ExAC 0.00007; ESP Exome Variant Server 0.00016; gnomAD 0.00021 and 0.00022; TOPMed 0.00023.
gnomAD v4.1: 83 of 1,590,862 alleles (0.0052%); highest among the groups gnomAD compares: African/African-American, 0.052%; 1 homozygote.

Submissions (8):

Labcorp Genetics (formerly Invitae), Labcorp
Classification: Likely benign for Hypertrophic cardiomyopathy. Last evaluated: 2026-01-19. Review status: criteria provided, single submitter. Criteria: Invitae Variant Classification Sherloc (09022015). Collection method: clinical testing. Allele origin: germline.

PreventionGenetics, part of Exact Sciences
Classification: Likely benign for MYBPC3-related condition. Last evaluated: 2025-09-02. Review status: criteria provided, single submitter. Criteria: ACMG Guidelines, 2015. Collection method: clinical testing. Allele origin: germline.
Comment: This variant is classified as likely benign based on ACMG/AMP sequence variant interpretation guidelines (Richards et al. 2015 PMID: 25741868, with internal and published modifications).

All of Us Research Program, National Institutes of Health
Classification: Likely benign for Hypertrophic cardiomyopathy. Last evaluated: 2024-02-05. Review status: criteria provided, single submitter. Criteria: ACMG Guidelines, 2015. Collection method: clinical testing. Allele origin: germline. Inheritance: Autosomal dominant inheritance. Observed: 20 variant alleles, 20 heterozygotes.
Comment: This study involves interpretation of variants in research participants for the purpose of population health screening. Participant phenotype was not available at the time of variant classification. Additional details can be found in publication PMID: 35346344, PMCID: PMC8962531

Women's Health and Genetics/Laboratory Corporation of America, LabCorp
Classification: Likely benign. Last evaluated: 2021-03-25. Review status: criteria provided, single submitter. Criteria: LabCorp Variant Classification Summary - May 2015. Collection method: clinical testing. Allele origin: germline.

ARUP Laboratories, Molecular Genetics and Genomics, ARUP Laboratories
Classification: Likely benign. Last evaluated: 2019-12-27. Review status: criteria provided, single submitter. Criteria: ARUP Molecular Germline Variant Investigation Process. Collection method: clinical testing. Allele origin: germline.

Color Diagnostics, LLC DBA Color Health
Classification: Likely benign for Cardiomyopathy. Last evaluated: 2019-09-04. Review status: criteria provided, single submitter. Criteria: ACMG Guidelines, 2015. Collection method: clinical testing. Allele origin: germline.

Ambry Genetics
Classification: Likely benign for Cardiovascular phenotype. Last evaluated: 2017-07-19. Review status: criteria provided, single submitter. Criteria: Ambry Variant Classification Scheme 2023. Collection method: clinical testing. Allele origin: germline.

GeneDx
Classification: Benign. Last evaluated: 2015-03-03. Review status: criteria provided, single submitter. Criteria: GeneDx Variant Classification Process June 2021. Collection method: clinical testing. Allele origin: germline. Affected: yes.

NM_000256.3(MYBPC3):c.3228C>T (p.Asp1076=)

Gene: MYBPC3 (myosin binding protein C3; minus strand). Cytogenetic location: 11p11.2.
Variant type: single nucleotide variant.
Coding change: c.3228C>T on transcript NM_000256.3 (MANE Select); coding-DNA position 3228, C replaced by T.
Protein change: p.Asp1076=; no amino-acid change (aspartic acid 1076 retained).
Molecular consequence: synonymous variant.
Genome position (GRCh38, 1-based): chr11:47,333,296, G>A on the plus strand (C>T on the coding strand, the complement: MYBPC3 is on the minus strand). VCF-style: chr11-47333296-G-A. GRCh37 (hg19) VCF-style: chr11-47354847-G-A.
Other names: c.3228C>T, p.Asp1076= (LRG_386t1).
Identifiers: ClinVar variation 414437 (VCV000414437.31), dbSNP rs369999866, ClinGen allele CA079235.